The following is an entry in ClinVar:

ClinVar aggregate classification (germline): Uncertain significance (1 of 4 stars; one submission).

Conditions:
Pulmonary hypertension, primary, 4. Identifiers: Orphanet 422, MedGen C3809198, MONDO:0014136, OMIM 615344.

Allele frequency attached by ClinVar (database versions not stated): TOPMed below 0.00001; ExAC 0.00006.
gnomAD v4.1: 4 of 1,607,808 alleles (0.00025%); highest among the groups gnomAD compares: East Asian, 0.0022%; no homozygotes.

Submission:

Labcorp Genetics (formerly Invitae), Labcorp
Classification: Uncertain significance for Pulmonary hypertension, primary, 4. Last evaluated: 2023-11-17. Review status: criteria provided, single submitter. Criteria: Invitae Variant Classification Sherloc (09022015). Collection method: clinical testing. Allele origin: germline.
Comment: This sequence change replaces proline, which is neutral and non-polar, with glutamine, which is neutral and polar, at codon 330 of the KCNK3 protein (p.Pro330Gln). The frequency data for this variant in the population databases is considered unreliable, as metrics indicate poor data quality at this position in the gnomAD database. This variant has not been reported in the literature in individuals affected with KCNK3-related conditions. An algorithm developed to predict the effect of missense changes on protein structure and function (PolyPhen-2) suggests that this variant is likely to be disruptive. In summary, the available evidence is currently insufficient to determine the role of this variant in disease. Therefore, it has been classified as a Variant of Uncertain Significance.

NM_002246.3(KCNK3):c.989C>A (p.Pro330Gln)

Gene: KCNK3 (potassium two pore domain channel subfamily K member 3; plus strand). Cytogenetic location: 2p23.3.
Variant type: single nucleotide variant.
Coding change: c.989C>A on transcript NM_002246.3 (MANE Select); coding-DNA position 989, C replaced by A.
Protein change: p.Pro330Gln; replaces proline 330 with glutamine.
Molecular consequence: missense variant.
Genome position (GRCh38, 1-based): chr2:26,728,372, C>A. VCF-style: chr2-26728372-C-A. GRCh37 (hg19) VCF-style: chr2-26951240-C-A.
Other names: short protein forms P330Q.
Identifiers: ClinVar variation 2920534 (VCV002920534.3), dbSNP rs768854800, ClinGen allele CA1565583.
Genomic context (GRCh38, chr2:26,728,372, plus strand): 5'-GCTCGTGCCTGTGGTACAAGAGCCGCGAGAAGCTGCAGTACTCCATCCCCATGATCATCC[C>A]GCGGGACCTCTCCACGTCCGACACGTGCGTGGAGCAGAGCCACTCGTCGCCGGGAGGGGG-3'
Protein context (NP_002237.1, residues 320-340): KLQYSIPMII[Pro330Gln]RDLSTSDTCV